The following is an entry in ClinVar:

ClinVar aggregate classification (germline): Uncertain significance (1 of 4 stars; one submission).

gnomAD v4.1: 1 of 1,613,992 alleles (0.000062%); highest among the groups gnomAD compares: Non-Finnish European, 0.000085%; no homozygotes.

Submission:

Labcorp Genetics (formerly Invitae), Labcorp
Classification: Uncertain significance. Last evaluated: 2025-11-02. Review status: criteria provided, single submitter. Criteria: Invitae Variant Classification Sherloc (09022015). Collection method: clinical testing. Allele origin: germline.
Comment: This sequence change affects codon 634 of the ERCC2 mRNA. It is a 'silent' change, meaning that it does not change the encoded amino acid sequence of the ERCC2 protein. This variant also falls at the last nucleotide of exon 20, which is part of the consensus splice site for this exon. This variant is not present in population databases (gnomAD no frequency). This variant has not been reported in the literature in individuals affected with ERCC2-related conditions. Variants that disrupt the consensus splice site are a relatively common cause of aberrant splicing (PMID: 17576681, 9536098). Algorithms developed to predict the effect of sequence changes on RNA splicing suggest that this variant is not likely to affect RNA splicing. In summary, the available evidence is currently insufficient to determine the role of this variant in disease. Therefore, it has been classified as a Variant of Uncertain Significance.

Literature cited by the submitters: PubMed 17576681; PubMed 9536098.

NM_000400.4(ERCC2):c.1902G>A (p.Lys634=)

Gene: ERCC2 (ERCC excision repair 2, TFIIH core complex helicase subunit; minus strand). Cytogenetic location: 19q13.32.
Variant type: single nucleotide variant.
Coding change: c.1902G>A on transcript NM_000400.4 (MANE Select); coding-DNA position 1902, G replaced by A.
Protein change: p.Lys634=; no amino-acid change (lysine 634 retained).
Molecular consequence: synonymous variant. On other transcripts: non-coding transcript variant (3).
Genome position (GRCh38, 1-based): chr19:45,352,746, C>T on the plus strand (G>A on the coding strand, the complement: ERCC2 is on the minus strand). VCF-style: chr19-45352746-C-T. GRCh37 (hg19) VCF-style: chr19-45856004-C-T.
Other names: c.1830G>A, p.Lys610= (NM_001440355.1); c.1824G>A, p.Lys608= (NM_001440356.1); c.1779G>A, p.Lys593= (NM_001440357.1).
Identifiers: ClinVar variation 4729978 (VCV004729978.1).